The following is an entry in ClinVar:

ClinVar aggregate classification (germline): Uncertain significance. Review status: criteria provided, multiple submitters, no conflicts (2 of 4 stars). 2 submissions from 2 submitters: Uncertain significance (2). Last evaluated 2024-09-24.

Conditions:
Cardiomyopathy (CMYO). Also called: Cardiomyopathies. Identifiers: Orphanet 167848, MedGen C0878544, MONDO:0004994, HP:0001638. Inheritance: Various modes of inheritance.
Catecholaminergic polymorphic ventricular tachycardia 1. Also called: VENTRICULAR TACHYCARDIA, STRESS-INDUCED POLYMORPHIC 1; VENTRICULAR TACHYCARDIA, CATECHOLAMINERGIC POLYMORPHIC, 1, WITH OR WITHOUT ATRIAL DYSFUNCTION AND/OR DILATED CARDIOMYOPATHY; RYR2-Related Catecholaminergic Polymorphic Ventricular Tachycardia. Identifiers: Orphanet 3286, MedGen C1631597, MONDO:0011484, OMIM 604772.

Submissions (2):

Labcorp Genetics (formerly Invitae), Labcorp
Classification: Uncertain significance for Catecholaminergic polymorphic ventricular tachycardia 1. Last evaluated: 2024-09-24. Review status: criteria provided, single submitter. Criteria: Invitae Variant Classification Sherloc (09022015). Collection method: clinical testing. Allele origin: germline.
Comment: This sequence change replaces threonine, which is neutral and polar, with alanine, which is neutral and non-polar, at codon 1243 of the RYR2 protein (p.Thr1243Ala). This variant is not present in population databases (gnomAD no frequency). This variant has not been reported in the literature in individuals affected with RYR2-related conditions. ClinVar contains an entry for this variant (Variation ID: 1172327). Invitae Evidence Modeling of protein sequence and biophysical properties (such as structural, functional, and spatial information, amino acid conservation, physicochemical variation, residue mobility, and thermodynamic stability) indicates that this missense variant is not expected to disrupt RYR2 protein function with a negative predictive value of 95%. In summary, the available evidence is currently insufficient to determine the role of this variant in disease. Therefore, it has been classified as a Variant of Uncertain Significance.

Color Diagnostics, LLC DBA Color Health
Classification: Uncertain significance for Cardiomyopathy. Last evaluated: 2024-03-07. Review status: criteria provided, single submitter. Criteria: ACMG Guidelines, 2015. Collection method: clinical testing. Allele origin: germline.
Comment: This missense variant replaces threonine with alanine at codon 1243 of the RYR2 protein. Computational prediction suggests that this variant may not impact protein structure and function (internally defined REVEL score threshold <= 0.5, PMID: 27666373). To our knowledge, functional studies have not been reported for this variant. This variant has not been reported in individuals affected with cardiovascular disorders in the literature. This variant has not been identified in the general population by the Genome Aggregation Database (gnomAD). The available evidence is insufficient to determine the role of this variant in disease conclusively. Therefore, this variant is classified as a Variant of Uncertain Significance.

NM_001035.3(RYR2):c.3727A>G (p.Thr1243Ala)

Gene: RYR2 (ryanodine receptor 2; plus strand). Cytogenetic location: 1q43.
Variant type: single nucleotide variant.
Coding change: c.3727A>G on transcript NM_001035.3 (MANE Select); coding-DNA position 3727, A replaced by G.
Protein change: p.Thr1243Ala; replaces threonine 1243 with alanine.
Molecular consequence: missense variant.
Genome position (GRCh38, 1-based): chr1:237,589,921, A>G. VCF-style: chr1-237589921-A-G. GRCh37 (hg19) VCF-style: chr1-237753221-A-G.
Other names: short protein forms T1243A.
Identifiers: ClinVar variation 1172327 (VCV001172327.5), dbSNP rs2148431124, ClinGen allele CA345396412.